The following is an entry in ClinVar:

NM_020638.3(FGF23):c.*1471C>A

Gene: FGF23 (fibroblast growth factor 23; minus strand). Cytogenetic location: 12p13.32.
Variant type: single nucleotide variant.
Coding change: c.*1471C>A on transcript NM_020638.3 (MANE Select); 1471 bases downstream of the stop codon, C replaced by A.
Molecular consequence: 3 prime UTR variant.
Genome position (GRCh38, 1-based): chr12:4,368,872, G>T on the plus strand (C>A on the coding strand, the complement: FGF23 is on the minus strand). VCF-style: chr12-4368872-G-T. GRCh37 (hg19) VCF-style: chr12-4478038-G-T.
Identifiers: ClinVar variation 880632 (VCV000880632.4), dbSNP rs114125104, ClinGen allele CA231756369.

ClinVar aggregate classification (germline): Benign. Review status: criteria provided, single submitter (1 of 4 stars). 2 submissions from 1 submitter: Benign (2). Last evaluated 2018-01-12.

Conditions:
Tumoral calcinosis, hyperphosphatemic, familial, 2. Identifiers: MedGen C4693863, MONDO:0060714, OMIM 617993.
Autosomal dominant hypophosphatemic rickets (ADHR). Also called: HYPOPHOSPHATEMIA, AUTOSOMAL DOMINANT; VITAMIN D-RESISTANT RICKETS, AUTOSOMAL DOMINANT. Identifiers: Orphanet 89937, MedGen C0342642, MONDO:0008660, OMIM 193100.

Allele frequency attached by ClinVar (database versions not stated): gnomAD exomes 0.00068; gnomAD 0.00364 and 0.00388; TOPMed 0.00439; 1000 Genomes Project 0.00579; 1000 Genomes Project 30x 0.00593.

Submissions (2):

Illumina Laboratory Services, Illumina
Classification: Benign for Tumoral calcinosis, hyperphosphatemic, familial, 2. Last evaluated: 2018-01-12. Review status: criteria provided, single submitter. Criteria: ICSL Variant Classification Criteria 13 December 2019. Collection method: clinical testing. Allele origin: germline.
Comment: This variant was observed in the ICSL laboratory as part of a predisposition screen in an ostensibly healthy population. It had not been previously curated by ICSL or reported in the Human Gene Mutation Database (HGMD: prior to June 1st, 2018), and was therefore a candidate for classification through an automated scoring system. Utilizing variant allele frequency, disease prevalence and penetrance estimates, and inheritance mode, an automated score was calculated to assess if this variant is too frequent to cause the disease. Based on the score and internal cut-off values, a variant classified as benign is not then subjected to further curation. The score for this variant resulted in a classification of benign for this disease.

Illumina Laboratory Services, Illumina
Classification: Benign for Autosomal dominant hypophosphatemic rickets. Last evaluated: 2018-01-12. Review status: criteria provided, single submitter. Criteria: ICSL Variant Classification Criteria 13 December 2019. Collection method: clinical testing. Allele origin: germline.
Comment: the same text as in the submission from Illumina Laboratory Services, Illumina above.